The following is an entry in ClinVar:

ClinVar aggregate classification (germline): Uncertain significance (1 of 4 stars; one submission).

Conditions:
Alexander disease (ALXDRD). Also called: Alexander's disease. Identifiers: Orphanet 58, MedGen C0270726, MONDO:0008752, OMIM 203450.

Submission:

3billion
Classification: Uncertain significance for Alexander disease. Last evaluated: 2025-11-12. Review status: criteria provided, single submitter. Criteria: ACMG Guidelines, 2015. Collection method: clinical testing. Allele origin: germline. Affected: yes.
Comment: The variant is not observed in the gnomAD v4.1.0 dataset. Predicted Consequence/Location: Missense variant. Missense changes are a common disease-causing mechanism. In silico tool predictions suggest damaging effect of the variant on gene or gene product [REVEL: 0.74 (>=0.6, sensitivity 0.68 and specificity 0.92)]. Therefore, this variant is classified as VUS according to the recommendation of ACMG/AMP guideline.

NM_002055.5(GFAP):c.486G>T (p.Arg162Ser)

Gene: GFAP (glial fibrillary acidic protein; minus strand). Cytogenetic location: 17q21.31.
Variant type: single nucleotide variant.
Coding change: c.486G>T on transcript NM_002055.5 (MANE Select); coding-DNA position 486, G replaced by T.
Protein change: p.Arg162Ser; replaces arginine 162 with serine.
Molecular consequence: missense variant.
Genome position (GRCh38, 1-based): chr17:44,914,064, C>A on the plus strand (G>T on the coding strand, the complement: GFAP is on the minus strand). VCF-style: chr17-44914064-C-A. GRCh37 (hg19) VCF-style: chr17-42991432-C-A.
Other names: c.486G>T, p.Arg162Ser (NM_001131019.3, NM_001242376.3, NM_001363846.2); short protein forms R162S.
Identifiers: ClinVar variation 4854122 (VCV004854122.1).